The following is an entry in ClinVar:

ClinVar aggregate classification (germline): Pathogenic (1 of 4 stars; one submission).

Conditions:
Ataxia-telangiectasia syndrome (AT). Also called: ATAXIA-TELANGIECTASIA, COMPLEMENTATION GROUP A; ATAXIA-TELANGIECTASIA, FRESNO VARIANT; LOUIS-BAR SYNDROME; Ataxia-telangiectasia, complementation group D; Ataxia-telangiectasia, complementation group E; Cerebello-oculocutaneous telangiectasia. Identifiers: Orphanet 100, MedGen C0004135, MONDO:0008840, OMIM 208900.

Submission:

Labcorp Genetics (formerly Invitae), Labcorp
Classification: Pathogenic for Ataxia-telangiectasia syndrome. Last evaluated: 2024-03-11. Review status: criteria provided, single submitter. Criteria: Invitae Variant Classification Sherloc (09022015). Collection method: clinical testing. Allele origin: germline.
Comment: This sequence change creates a premature translational stop signal (p.Leu1654*) in the ATM gene. It is expected to result in an absent or disrupted protein product. Loss-of-function variants in ATM are known to be pathogenic (PMID: 23807571, 25614872). This variant is not present in population databases (gnomAD no frequency). This variant has not been reported in the literature in individuals affected with ATM-related conditions. Algorithms developed to predict the effect of sequence changes on RNA splicing suggest that this variant may disrupt the consensus splice site. For these reasons, this variant has been classified as Pathogenic.

Literature cited by the submitters: PubMed 23807571; PubMed 25614872.

NM_000051.4(ATM):c.4961T>A (p.Leu1654Ter)

Gene: ATM (ATM serine/threonine kinase; plus strand). Cytogenetic location: 11q22.3.
Variant type: single nucleotide variant.
Coding change: c.4961T>A on transcript NM_000051.4 (MANE Select); coding-DNA position 4961, T replaced by A.
Protein change: p.Leu1654Ter; replaces leucine 1654 with a stop codon.
Molecular consequence: nonsense.
Genome position (GRCh38, 1-based): chr11:108,297,338, T>A. VCF-style: chr11-108297338-T-A. GRCh37 (hg19) VCF-style: chr11-108168065-T-A.
Other names: c.4961T>A, p.Leu1654Ter (NM_001351834.2); short protein forms L1654*.
Identifiers: ClinVar variation 3645362 (VCV003645362.2).